The following is an entry in ClinVar:

ClinVar aggregate classification (germline): Uncertain significance (1 of 4 stars; one submission).

Submission:

Labcorp Genetics (formerly Invitae), Labcorp
Classification: Uncertain significance. Last evaluated: 2024-08-13. Review status: criteria provided, single submitter. Criteria: Invitae Variant Classification Sherloc (09022015). Collection method: clinical testing. Allele origin: germline.
Comment: This sequence change replaces aspartic acid, which is acidic and polar, with asparagine, which is neutral and polar, at codon 1995 of the DOCK6 protein (p.Asp1995Asn). This variant is not present in population databases (gnomAD no frequency). This variant has not been reported in the literature in individuals affected with DOCK6-related conditions. ClinVar contains an entry for this variant (Variation ID: 1389495). Advanced modeling of protein sequence and biophysical properties (such as structural, functional, and spatial information, amino acid conservation, physicochemical variation, residue mobility, and thermodynamic stability) performed at Invitae indicates that this missense variant is not expected to disrupt DOCK6 protein function with a negative predictive value of 80%. In summary, the available evidence is currently insufficient to determine the role of this variant in disease. Therefore, it has been classified as a Variant of Uncertain Significance.

NM_020812.4(DOCK6):c.5983G>A (p.Asp1995Asn)

Gene: DOCK6 (dedicator of cytokinesis 6; minus strand). Cytogenetic location: 19p13.2.
Variant type: single nucleotide variant.
Coding change: c.5983G>A on transcript NM_020812.4 (MANE Select); coding-DNA position 5983, G replaced by A.
Protein change: p.Asp1995Asn; replaces aspartic acid 1995 with asparagine.
Molecular consequence: missense variant.
Genome position (GRCh38, 1-based): chr19:11,200,426, C>T on the plus strand (G>A on the coding strand, the complement: DOCK6 is on the minus strand). VCF-style: chr19-11200426-C-T. GRCh37 (hg19) VCF-style: chr19-11311102-C-T.
Other names: c.6088G>A, p.Asp2030Asn (NM_001367830.1); short protein forms D1995N, D2030N.
Identifiers: ClinVar variation 1389495 (VCV001389495.8), dbSNP rs2147687646, ClinGen allele CA404069386.
Genomic context (GRCh38, chr19:11,200,426, plus strand): 5'-GCAGAGCCTCCCGCAGGCGGCAGTAGTTGCGCTCCAGCTCACGGTGGTACTCCTTCTGGT[C>T]CGGCCCAATCAGGGCCTTATTTTTCCGCAGCGCATCCTCACATCTGAGGGCCAGAGGGTG-3'
Protein context (NP_065863.2, residues 1985-2005): LRKNKALIGP[Asp1995Asn]QKEYHRELER